The following is an entry in ClinVar:

ClinVar aggregate classification (germline): Conflicting classifications of pathogenicity. Review status: criteria provided, conflicting classifications (1 of 4 stars). 5 submissions from 5 submitters: Uncertain significance (3); Likely benign (2). Last evaluated 2026-01-05.

Conditions:
Autosomal recessive Alport syndrome (ATS2). Also called: COL4A3-Related Nephropathy; COL4A4 Alport Syndrome and Thin Basement Membrane Nephropathy; ALPORT SYNDROME 2, AUTOSOMAL RECESSIVE; Alport syndrome type 2. Identifiers: Orphanet 63, Orphanet 88919, MedGen C4746745, MONDO:0008762, OMIM 203780.
Hematuria, benign familial, 1 (BFH1). Also called: THIN MEMBRANE NEPHROPATHY. Identifiers: MedGen CN376803, MONDO:0007709, OMIM 141200.

gnomAD v4.1: 42 of 1,586,958 alleles (0.0026%); highest among the groups gnomAD compares: Admixed American, 0.059%; no homozygotes.

Submissions (5):

Labcorp Genetics (formerly Invitae), Labcorp
Classification: Likely benign. Last evaluated: 2026-01-05. Review status: criteria provided, single submitter. Criteria: Invitae Variant Classification Sherloc (09022015). Collection method: clinical testing. Allele origin: germline.

Blueprint Genetics
Classification: Uncertain significance. Last evaluated: 2024-09-18. Review status: criteria provided, single submitter. Criteria: ACMG Guidelines, 2015. Collection method: clinical testing. Allele origin: germline.

3billion
Classification: Uncertain significance for Autosomal recessive Alport syndrome. Last evaluated: 2024-06-22. Review status: criteria provided, single submitter. Criteria: ACMG Guidelines, 2015. Collection method: clinical testing. Allele origin: germline. Affected: yes.
Comment: The variant is observed at an extremely low frequency in the gnomAD v4.0.0 dataset (total allele frequency: 0.003%). Predicted Consequence/Location: Missense variant In silico tool predictions suggest no damaging effect of the variant on gene or gene product [REVEL: 0.15 (<0.4); 3Cnet: 0.02 (<0.15, specificity 0.78 and negative predictive value 0.92)]. Therefore, this variant is classified as VUS according to the recommendation of ACMG/AMP guideline.

Fulgent Genetics
Classification: Likely benign for Hematuria, benign familial, 1; Autosomal recessive Alport syndrome. Last evaluated: 2024-02-24. Review status: criteria provided, single submitter. Criteria: ACMG Guidelines, 2015. Collection method: clinical testing. Allele origin: germline.

GeneDx
Classification: Uncertain significance. Last evaluated: 2023-02-28. Review status: criteria provided, single submitter. Criteria: GeneDx Variant Classification Process June 2021. Collection method: clinical testing. Allele origin: germline. Affected: yes.
Comment: In silico analysis supports that this missense variant does not alter protein structure/function; Occurs in the triple helical domain at the Y position in the canonical Gly-X-Y repeat; although this variant may have an effect on normal protein folding and function, missense substitution at the Y position is not a common mechanism of disease; Has not been previously published as pathogenic or benign to our knowledge

NM_000092.5(COL4A4):c.4349T>A (p.Ile1450Asn)

Gene: COL4A4 (collagen type IV alpha 4 chain; minus strand). Cytogenetic location: 2q36.3.
Variant type: single nucleotide variant.
Coding change: c.4349T>A on transcript NM_000092.5 (MANE Select); coding-DNA position 4349, T replaced by A.
Protein change: p.Ile1450Asn; replaces isoleucine 1450 with asparagine.
Molecular consequence: missense variant.
Genome position (GRCh38, 1-based): chr2:227,010,486, A>T on the plus strand (T>A on the coding strand, the complement: COL4A4 is on the minus strand). VCF-style: chr2-227010486-A-T. GRCh37 (hg19) VCF-style: chr2-227875202-A-T.
Other names: c.4349T>A (NM_000092.4); short protein forms I1450N.
Identifiers: ClinVar variation 1657862 (VCV001657862.12), dbSNP rs72969704, ClinGen allele CA2144187.
Genomic context (GRCh38, chr2:227,010,486, plus strand): 5'-AGAACCAGGAGGAAGCCACCGAGGTATCCAGGGCCAAACCCTTTGGGCCCAGGATCCCCA[A>T]TGGGACCAGGAGGCCCTGGAGGAACAAAGGAAAAAAATTGAAGGCAGGTTAGGGGGTTTG-3'
Protein context (NP_000083.3, residues 1440-1460): YPGGPGPPGP[Ile1450Asn]GDPGPKGFGP